The following is an entry in ClinVar:

ClinVar aggregate classification (germline): Conflicting classifications of pathogenicity. Review status: criteria provided, conflicting classifications (1 of 4 stars). 4 submissions from 4 submitters: Uncertain significance (1); Benign (1); Likely benign (1). 1 of the submissions does not count toward it. Last evaluated 2024-05-14.

Conditions:
Inborn genetic diseases. Identifiers: MedGen C0950123, MeSH D030342.
SETBP1-related disorder. Also called: SETBP1-related condition; SETBP1-related disorders.

Allele frequency attached by ClinVar (database versions not stated): ESP Exome Variant Server 0.00015.
gnomAD v4.1: 28 of 1,614,066 alleles (0.0017%); highest among the groups gnomAD compares: Middle Eastern, 0.016%; no homozygotes.

Submissions (4):

Labcorp Genetics (formerly Invitae), Labcorp
Classification: Benign. Last evaluated: 2024-05-14. Review status: criteria provided, single submitter. Criteria: Invitae Variant Classification Sherloc (09022015). Collection method: clinical testing. Allele origin: germline.

Ambry Genetics
Classification: Uncertain significance for Inborn genetic diseases. Last evaluated: 2021-09-17. Review status: criteria provided, single submitter. Criteria: Ambry Variant Classification Scheme 2023. Collection method: clinical testing. Allele origin: germline.

Blueprint Genetics
Classification: Likely benign. Last evaluated: 2020-07-29. Review status: criteria provided, single submitter. Criteria: ACMG Guidelines, 2015. Collection method: clinical testing. Allele origin: germline.

PreventionGenetics, part of Exact Sciences
Classification: Uncertain significance for SETBP1-related condition. Last evaluated: 2024-07-28. Review status: no assertion criteria provided. Collection method: clinical testing. Allele origin: germline. Not counted in ClinVar's aggregate classification.
Comment: The SETBP1 c.3712G>A variant is predicted to result in the amino acid substitution p.Asp1238Asn. This variant was reported in an individual with neurodevelopmental disorder (Supplementary Data 5, Wang et al 2020. PubMed ID: 33004838). This variant is reported in 0.012% of alleles in individuals of African descent in gnomAD. Although we suspect that this variant may be benign, at this time, the clinical significance of this variant is uncertain due to the absence of conclusive functional and genetic evidence.

NM_015559.3(SETBP1):c.3712G>A (p.Asp1238Asn)

Gene: SETBP1 (SET binding protein 1; plus strand). Cytogenetic location: 18q12.3.
Variant type: single nucleotide variant.
Coding change: c.3712G>A on transcript NM_015559.3 (MANE Select); coding-DNA position 3712, G replaced by A.
Protein change: p.Asp1238Asn; replaces aspartic acid 1238 with asparagine.
Molecular consequence: missense variant.
Genome position (GRCh38, 1-based): chr18:44,953,052, G>A. VCF-style: chr18-44953052-G-A. GRCh37 (hg19) VCF-style: chr18-42533017-G-A.
Other names: c.3712G>A, p.Asp1238Asn (NM_001379141.1, NM_001379142.1, NM_001410862.1); short protein forms D1238N.
Identifiers: ClinVar variation 2371076 (VCV002371076.7), dbSNP rs144087649, ClinGen allele CA8945966.